The following is an entry in ClinVar:

ClinVar aggregate classification (germline): Benign/Likely benign. Review status: criteria provided, multiple submitters, no conflicts (2 of 4 stars). 2 submissions from 2 submitters: Benign (1); Likely benign (1). Last evaluated 2024-11-19.

Conditions:
RASopathy. Also called: rasopathies; Noonan spectrum disorder. Identifiers: Orphanet 536391, MedGen C5555857, MONDO:0021060.

Allele frequency attached by ClinVar (database versions not stated): gnomAD exomes 0.00001 and 0.00009; gnomAD 0.00005 and 0.00006; TOPMed 0.00006.
gnomAD v4.1: 72 of 870,246 alleles (0.0083%); highest among the groups gnomAD compares: Non-Finnish European, 0.01%; no homozygotes.

Submissions (2):

Blueprint Genetics
Classification: Likely benign. Last evaluated: 2024-11-19. Review status: criteria provided, single submitter. Criteria: ACMG Guidelines, 2015. Collection method: clinical testing. Allele origin: germline.

GeneDx
Classification: Benign for Rasopathy. Review status: criteria provided, single submitter. Criteria: GeneDx Variant Classification (06012015). Collection method: clinical testing. Allele origin: unknown.
ClinVar note: Converted during submission from POLY to Benign.

NM_004333.6(BRAF):c.-18C>G

Gene: BRAF (B-Raf proto-oncogene, serine/threonine kinase; minus strand). Cytogenetic location: 7q34.
Variant type: single nucleotide variant.
Coding change: c.-18C>G on transcript NM_004333.6 (MANE Select); 18 bases upstream of the start codon, C replaced by G.
Molecular consequence: 5 prime UTR variant.
Genome position (GRCh38, 1-based): chr7:140,924,721, G>C on the plus strand (C>G on the coding strand, the complement: BRAF is on the minus strand). VCF-style: chr7-140924721-G-C. GRCh37 (hg19) VCF-style: chr7-140624521-G-C.
Other names: c.-18C>G (NM_001354609.2, NM_001374244.1, NM_001374258.1 and 7 more transcripts).
Identifiers: ClinVar variation 40332 (VCV000040332.3), dbSNP rs397507453, ClinGen allele CA281920.